The following is an entry in ClinVar:

NM_001792.5(CDH2):c.1695T>G (p.Asn565Lys)

Gene: CDH2 (cadherin 2; minus strand). Cytogenetic location: 18q12.1.
Variant type: single nucleotide variant.
Coding change: c.1695T>G on transcript NM_001792.5 (MANE Select); coding-DNA position 1695, T replaced by G.
Protein change: p.Asn565Lys; replaces asparagine 565 with lysine.
Molecular consequence: missense variant.
Genome position (GRCh38, 1-based): chr18:27,988,570, A>C on the plus strand (T>G on the coding strand, the complement: CDH2 is on the minus strand). VCF-style: chr18-27988570-A-C. GRCh37 (hg19) VCF-style: chr18-25568534-A-C.
Other names: c.1602T>G, p.Asn534Lys (NM_001308176.2); short protein forms N534K, N565K.
Identifiers: ClinVar variation 4975737 (VCV004975737.1).
Genomic context (GRCh38, chr18:27,988,570, plus strand): 5'-AACAGCGAACATACCATTGTCAGAAGCAAGGAAAGTAGCATTATATATATTGTTTTTCAC[A>C]TTTGGTGATTCTCGGTCCAAAACAGCAATTGTAGTTATTTGTCCATTCACAGGATCTATT-3'
Protein context (NP_001783.2, residues 555-575): TIAVLDRESP[Asn565Lys]VKNNIYNATF

ClinVar aggregate classification (germline): Uncertain significance (1 of 4 stars; one submission).

Submission:

GeneDx
Classification: Uncertain significance. Last evaluated: 2026-01-27. Review status: criteria provided, single submitter. Criteria: GeneDx Variant Classification Process June 2021. Collection method: clinical testing. Allele origin: germline.
Comment: Not observed at significant frequency in large population cohorts (gnomAD); In silico analysis supports a deleterious effect on splicing; In silico analysis suggests that this missense variant does not alter protein structure/function; Has not been previously published as pathogenic or benign to our knowledge